The following is an entry in ClinVar:

NM_015506.3(MMACHC):c.265C>T (p.Arg89Cys)

Gene: MMACHC (metabolism of cobalamin associated C; plus strand). Cytogenetic location: 1p34.1.
Variant type: single nucleotide variant.
Coding change: c.265C>T on transcript NM_015506.3 (MANE Select); coding-DNA position 265, C replaced by T.
Protein change: p.Arg89Cys; replaces arginine 89 with cysteine.
Molecular consequence: missense variant.
Genome position (GRCh38, 1-based): chr1:45,507,539, C>T. VCF-style: chr1-45507539-C-T. GRCh37 (hg19) VCF-style: chr1-45973211-C-T.
Other names: c.94C>T, p.Arg32Cys (NM_001330540.2); short protein forms R32C, R89C.
Identifiers: ClinVar variation 2179846 (VCV002179846.4), dbSNP rs200109668, ClinGen allele CA827671.

ClinVar aggregate classification (germline): Uncertain significance (1 of 4 stars; one submission).

Conditions:
Cobalamin C disease. Also called: Methylmalonic aciduria and homocystinuria, Vitamin B12-responsive; Vitamin B12 metabolic defect with combined deficiency of methylmalonyl-CoA mutase and homocysteine:methyltetrahydrofolate methyltransferase; methylmalonic aciduria and homocystinuria type cblC; Methylmalonic aciduria with homocystinuria cblC type; Cobalamin-C methylmalonic acidemia and homocystinuria; Methylmalonic acidemia and homocystinuria cblC type. Identifiers: Orphanet 26, Orphanet 79282, MedGen C1848561, MONDO:0010184, OMIM 277400.

gnomAD v4.1: 14 of 1,614,158 alleles (0.00087%); highest among the groups gnomAD compares: South Asian, 0.0022%; no homozygotes.

Submission:

Labcorp Genetics (formerly Invitae), Labcorp
Classification: Uncertain significance for Cobalamin C disease. Last evaluated: 2022-06-03. Review status: criteria provided, single submitter. Criteria: Invitae Variant Classification Sherloc (09022015). Collection method: clinical testing. Allele origin: germline.
Comment: In summary, the available evidence is currently insufficient to determine the role of this variant in disease. Therefore, it has been classified as a Variant of Uncertain Significance. Algorithms developed to predict the effect of missense changes on protein structure and function are either unavailable or do not agree on the potential impact of this missense change (SIFT: "Tolerated"; PolyPhen-2: "Possibly Damaging"; Align-GVGD: "Class C0"). This variant has not been reported in the literature in individuals affected with MMACHC-related conditions. This variant is present in population databases (rs200109668, gnomAD 0.003%). This sequence change replaces arginine, which is basic and polar, with cysteine, which is neutral and slightly polar, at codon 89 of the MMACHC protein (p.Arg89Cys).